The following is an entry in ClinVar:

NM_012108.4(STAP1):c.14A>G (p.Lys5Arg)

Gene: STAP1 (signal transducing adaptor family member 1; plus strand). Cytogenetic location: 4q13.2.
Variant type: single nucleotide variant.
Coding change: c.14A>G on transcript NM_012108.4 (MANE Select); coding-DNA position 14, A replaced by G.
Protein change: p.Lys5Arg; replaces lysine 5 with arginine.
Molecular consequence: missense variant.
Genome position (GRCh38, 1-based): chr4:67,558,823, A>G. VCF-style: chr4-67558823-A-G. GRCh37 (hg19) VCF-style: chr4-68424541-A-G.
Other names: c.14A>G, p.Lys5Arg (NM_001317769.2); short protein forms K5R.
Identifiers: ClinVar variation 2561650 (VCV002561650.4), dbSNP rs889535758, ClinGen allele CA98639771.

ClinVar aggregate classification (germline): Uncertain significance (1 of 4 stars; one submission).

Allele frequency attached by ClinVar (database versions not stated): gnomAD 0.00002; TOPMed 0.00003.
gnomAD v4.1: 22 of 1,613,222 alleles (0.0014%); highest among the groups gnomAD compares: Non-Finnish European, 0.0018%; no homozygotes.

Submission:

Ambry Genetics
Classification: Uncertain significance. Last evaluated: 2025-07-03. Review status: criteria provided, single submitter. Criteria: Ambry Variant Classification Scheme 2023. Collection method: clinical testing. Allele origin: germline.
Comment: The p.K5R variant (also known as c.14A>G), located in coding exon 1 of the STAP1 gene, results from an A to G substitution at nucleotide position 14. The lysine at codon 5 is replaced by arginine, an amino acid with highly similar properties. This amino acid position is conserved. In addition, this alteration is predicted to be tolerated by in silico analysis. Since supporting evidence is limited at this time, the clinical significance of this alteration remains unclear.